The following is an entry in ClinVar:

ClinVar aggregate classification (germline): Pathogenic (1 of 4 stars; one submission).

Conditions:
Koolen-de Vries syndrome (KDVS). Identifiers: Orphanet 96169, MedGen C1864871, MONDO:0012496, OMIM 610443.

Submission:

Labcorp Genetics (formerly Invitae), Labcorp
Classification: Pathogenic for Koolen-de Vries syndrome. Last evaluated: 2017-07-12. Review status: criteria provided, single submitter. Criteria: Invitae Variant Classification Sherloc (09022015). Collection method: clinical testing. Allele origin: germline.
Comment: Loss-of-function variants in KANSL1 are known to be pathogenic (PMID: 22544363, 22544367). For these reasons, this variant has been classified as Pathogenic. This variant has not been reported in the literature in individuals with KANSL1-related disease. This variant is not present in population databases (ExAC no frequency). This sequence change creates a premature translational stop signal (p.Met711Ilefs*11) in the KANSL1 gene. It is expected to result in an absent or disrupted protein product.

Literature cited by the submitters: PubMed 22544363; PubMed 22544367.

NM_015443.4(KANSL1):c.2132dup (p.Met711fs)

Gene: KANSL1 (KAT8 regulatory NSL complex subunit 1). Cytogenetic location: 17q21.31.
Variant type: Duplication.
Coding change: c.2132dup on transcript NM_015443.4 (MANE Select); coding-DNA position 2132, one base duplicated.
Protein change: p.Met711fs; shifts the reading frame from methionine 711.
Molecular consequence: frameshift variant.
Genome position: GRCh38 VCF-style: chr17-46039772-C-CA. GRCh37 (hg19) VCF-style: chr17-44117138-C-CA.
Other names: c.2132dupT (NM_001193466.1); c.2132dup, p.Met711fs (NM_001193465.2, NM_001193466.2, NM_001379198.1); short protein forms M711fs.
Identifiers: ClinVar variation 468402 (VCV000468402.6), dbSNP rs1555734136, ClinGen allele CA658656691.